The following is an entry in ClinVar:

ClinVar aggregate classification (germline): Pathogenic. Review status: reviewed by expert panel (3 of 4 stars). 6 submissions from 6 submitters: Pathogenic (1). 5 of the submissions do not count toward it. Last evaluated 2024-06-25.

Conditions:
Chuvash polycythemia. Also called: POLYCYTHEMIA, VHL-DEPENDENT. Identifiers: Orphanet 238557, MedGen C1837915, MONDO:0009892, OMIM 263400.
Von Hippel-Lindau syndrome (VHLS). Also called: Von Hippel-Lindau; von Hippel–Lindau syndrome; VHL syndrome. Identifiers: Orphanet 892, MedGen C0019562, MONDO:0008667, OMIM 193300. Disease mechanism: loss of function.

Submissions (6):

ClinGen VHL Variant Curation Expert Panel, ClinGen
Classification: Pathogenic for Von Hippel-Lindau syndrome. Last evaluated: 2024-06-25. Review status: reviewed by expert panel. Criteria: ClinGen VHL VCEP ACMG Specifications VHL V1. Collection method: curation. Allele origin: germline. Inheritance: Autosomal dominant inheritance.
Comment: The NM_000551.3(VHL):c.586A>T (p.Lys196Ter) variant in VHL is a truncating mutation that terminates the VHL protein at position 196, which resides in the second Beta domain (PVS1). One case meeting Danish VHL criteria equates to supporting evidence (PS4_Supporting). This variant is absent from gnomAD v4.1.0 (PM2_Supporting). In summary, this variant meets the criteria to be classified as Pathogenic for autosomal-dominant von Hippel-Lindau disease (VHL disease) based on the ACMG/AMP criteria applied, as specified by the ClinGen VHL VCEP Version 1.0 (Specifications approval date: 02/26/2024. Variant Approval Date 06/25/2024).

Labcorp Genetics (formerly Invitae), Labcorp
Classification: Pathogenic for Von Hippel-Lindau syndrome; Chuvash polycythemia. Last evaluated: 2023-08-24. Review status: criteria provided, single submitter. Criteria: Invitae Variant Classification Sherloc (09022015). Collection method: clinical testing. Allele origin: germline. Not counted in ClinVar's aggregate classification.
Comment: For these reasons, this variant has been classified as Pathogenic. This variant disrupts a region of the VHL protein in which other variant(s) (p.Leu198Pro) have been determined to be pathogenic (PMID: 24555745, 27539324, 29124493). This suggests that this is a clinically significant region of the protein, and that variants that disrupt it are likely to be disease-causing. Algorithms developed to predict the effect of sequence changes on RNA splicing suggest that this variant may create or strengthen a splice site. ClinVar contains an entry for this variant (Variation ID: 196284). This premature translational stop signal has been observed in individual(s) with von Hippel-Lindau syndrome (PMID: 19333546). This variant is not present in population databases (gnomAD no frequency). This sequence change creates a premature translational stop signal (p.Lys196*) in the VHL gene. While this is not anticipated to result in nonsense mediated decay, it is expected to disrupt the last 18 amino acid(s) of the VHL protein.

Greenwood Genetic Center Diagnostic Laboratories, Greenwood Genetic Center
Classification: Pathogenic for Von Hippel-Lindau syndrome. Last evaluated: 2021-11-12. Review status: criteria provided, single submitter. Criteria: ACMG Guidelines, 2015. Collection method: clinical testing. Allele origin: germline. Not counted in ClinVar's aggregate classification.
Comment: PVS1, PM2, PS4_Supporting

Women's Health and Genetics/Laboratory Corporation of America, LabCorp
Classification: Pathogenic for Von Hippel-Lindau syndrome. Last evaluated: 2016-02-04. Review status: criteria provided, single submitter. Criteria: LabCorp Variant Classification Summary - May 2015. Collection method: clinical testing. Allele origin: germline. Not counted in ClinVar's aggregate classification.

Eurofins Ntd Llc (ga)
Classification: Pathogenic. Last evaluated: 2015-02-11. Review status: criteria provided, single submitter. Criteria: EGL Classification Definitions 2015. Collection method: clinical testing. Allele origin: germline. Observed: 1 variant allele, 1 heterozygote. Not counted in ClinVar's aggregate classification.

Genomic Diagnostic Laboratory, Division of Genomic Diagnostics, Children's Hospital of Philadelphia
Classification: Pathogenic for Von Hippel-Lindau syndrome. Last evaluated: 2016-02-26. Review status: no assertion criteria provided. Collection method: clinical testing. Allele origin: germline. Affected: yes. Observed: 1 variant allele. Not counted in ClinVar's aggregate classification.

Literature cited by the submitters: PubMed 24555745 (cited by Labcorp Genetics (formerly Invitae), Labcorp); PubMed 27539324 (cited by Labcorp Genetics (formerly Invitae), Labcorp); PubMed 29124493 (cited by Labcorp Genetics (formerly Invitae), Labcorp); PubMed 19333546 (cited by Labcorp Genetics (formerly Invitae), Labcorp); PubMed 19270817 (cited by Women's Health and Genetics/Laboratory Corporation of America, LabCorp and Eurofins Ntd Llc (ga)); PubMed 25078357 (cited by Women's Health and Genetics/Laboratory Corporation of America, LabCorp); PubMed 19096585 (cited by Women's Health and Genetics/Laboratory Corporation of America, LabCorp).

NM_000551.4(VHL):c.586A>T (p.Lys196Ter)

Genes: VHL (von Hippel-Lindau tumor suppressor; plus strand), LOC107303340 (3p25 von Hippel-Lindau tumor suppressor, E3 ubiquitin protein ligase Alu-mediated recombination region; plus strand). Cytogenetic location: 3p25.3.
Variant type: single nucleotide variant.
Coding change: c.586A>T on transcript NM_000551.4 (MANE Select); coding-DNA position 586, A replaced by T.
Protein change: p.Lys196Ter; replaces lysine 196 with a stop codon.
Molecular consequence: nonsense. On other transcripts: 3 prime UTR variant (1).
Genome position (GRCh38, 1-based): chr3:10,149,909, A>T. VCF-style: chr3-10149909-A-T. GRCh37 (hg19) VCF-style: chr3-10191593-A-T.
Other names: NM_000551.4(VHL):c.586A>T; p.Lys196Ter; c.*140A>T (NM_001354723.2); c.463A>T, p.Lys155Ter (NM_198156.3); short protein forms K196*, K155*.
Identifiers: ClinVar variation 196284 (VCV000196284.12), dbSNP rs281860296, ClinGen allele CA020507.